The following is an entry in ClinVar:

NM_174936.4(PCSK9):c.1975C>T (p.Arg659Trp)

Gene: PCSK9 (proprotein convertase subtilisin/kexin type 9; plus strand). Cytogenetic location: 1p32.3.
Variant type: single nucleotide variant.
Coding change: c.1975C>T on transcript NM_174936.4 (MANE Select); coding-DNA position 1975, C replaced by T.
Protein change: p.Arg659Trp; replaces arginine 659 with tryptophan.
Molecular consequence: missense variant.
Genome position (GRCh38, 1-based): chr1:55,063,480, C>T. VCF-style: chr1-55063480-C-T. GRCh37 (hg19) VCF-style: chr1-55529153-C-T.
Other names: c.2098C>T, p.Arg700Trp (NM_001407240.1); c.2017C>T, p.Arg673Trp (NM_001407241.1); c.1978C>T, p.Arg660Trp (NM_001407242.1); c.1918C>T, p.Arg640Trp (NM_001407243.1); c.1801C>T, p.Arg601Trp (NM_001407244.1); c.1783C>T, p.Arg595Trp (NM_001407245.1); c.1600C>T, p.Arg534Trp (NM_001407246.1); c.1474C>T, p.Arg492Trp (NM_001407247.1); short protein forms R659W, R640W, R492W, R534W, R601W, R660W, R673W, R595W.
Identifiers: ClinVar variation 924976 (VCV000924976.13), dbSNP rs147182054, ClinGen allele CA040035.

ClinVar aggregate classification (germline): Uncertain significance. Review status: criteria provided, multiple submitters, no conflicts (2 of 4 stars). 3 submissions from 3 submitters: Uncertain significance (3). Last evaluated 2024-05-14.

Conditions:
Familial hypercholesterolemia. Also called: Familial hypercholesterolemias; Familial hypercholesterolaemia. Identifiers: MedGen C0020445, MONDO:0005439.
Hypercholesterolemia, autosomal dominant, 3 (FHCL3). Also called: Familial hypercholesterolemia 3; Familial Hypercholesterolemia, Autosomal Dominant, 3; PCSK9-Related Familial Hypercholesterolemia, Autosomal Dominant. Identifiers: MedGen C1863551, MONDO:0011369, OMIM 603776.

Allele frequency attached by ClinVar (database versions not stated): gnomAD 0.00004 and 0.00005; TOPMed 0.00004; ESP Exome Variant Server 0.00008; 1000 Genomes Project 30x 0.00016; 1000 Genomes Project 0.00020.
gnomAD v4.1: 34 of 1,613,962 alleles (0.0021%); highest among the groups gnomAD compares: Middle Eastern, 0.017%; no homozygotes.

Submissions (3):

All of Us Research Program, National Institutes of Health
Classification: Uncertain significance for Hypercholesterolemia, autosomal dominant, 3. Last evaluated: 2024-05-14. Review status: criteria provided, single submitter. Criteria: ACMG Guidelines, 2015. Collection method: clinical testing. Allele origin: germline. Inheritance: Autosomal dominant inheritance. Observed: 6 variant alleles, 6 heterozygotes.
Comment: This missense variant replaces arginine with tryptophan at codon 659 of the PCSK9 protein. Computational prediction suggests that this variant may not impact protein structure and function (internally defined REVEL score threshold <= 0.5, PMID: 27666373). To our knowledge, functional studies have not been reported for this variant. This variant has not been reported in individuals affected with familial hypercholesterolemia in the literature. This variant has been identified in 13/282312 chromosomes in the general population by the Genome Aggregation Database (gnomAD). The available evidence is insufficient to determine the role of this variant in disease conclusively. Therefore, this variant is classified as a Variant of Uncertain Significance.

This study involves interpretation of variants in research participants for the purpose of population health screening. Participant phenotype was not available at the time of variant classification. Additional details can be found in publication PMID: 35346344, PMCID: PMC8962531

Color Diagnostics, LLC DBA Color Health
Classification: Uncertain significance for Familial hypercholesterolemia. Last evaluated: 2024-04-25. Review status: criteria provided, single submitter. Criteria: ACMG Guidelines, 2015. Collection method: clinical testing. Allele origin: germline.
Comment: This missense variant replaces arginine with tryptophan at codon 659 of the PCSK9 protein. Computational prediction tools indicate that this variant has a neutral impact on protein structure and function. To our knowledge, functional studies have not been reported for this variant. This variant has not been reported in individuals affected with PCSK9-related disorders in the literature. This variant has been identified in 13/282312 chromosomes in the general population by the Genome Aggregation Database (gnomAD). The available evidence is insufficient to determine the role of this variant in disease conclusively. Therefore, this variant is classified as a Variant of Uncertain Significance.

Labcorp Genetics (formerly Invitae), Labcorp
Classification: Uncertain significance for Hypercholesterolemia, autosomal dominant, 3. Last evaluated: 2022-09-12. Review status: criteria provided, single submitter. Criteria: Invitae Variant Classification Sherloc (09022015). Collection method: clinical testing. Allele origin: germline.
Comment: This sequence change replaces arginine, which is basic and polar, with tryptophan, which is neutral and slightly polar, at codon 659 of the PCSK9 protein (p.Arg659Trp). This variant is present in population databases (rs147182054, gnomAD 0.03%). This variant has not been reported in the literature in individuals affected with PCSK9-related conditions. ClinVar contains an entry for this variant (Variation ID: 924976). Advanced modeling of protein sequence and biophysical properties (such as structural, functional, and spatial information, amino acid conservation, physicochemical variation, residue mobility, and thermodynamic stability) performed at Invitae indicates that this missense variant is not expected to disrupt PCSK9 protein function. In summary, the available evidence is currently insufficient to determine the role of this variant in disease. Therefore, it has been classified as a Variant of Uncertain Significance.